The following is an entry in ClinVar:

NM_003073.5(SMARCB1):c.244A>G (p.Thr82Ala)

Gene: SMARCB1 (SWI/SNF related BAF chromatin remodeling complex subunit B1; plus strand). Cytogenetic location: 22q11.23.
Variant type: single nucleotide variant.
Coding change: c.244A>G on transcript NM_003073.5 (MANE Select); coding-DNA position 244, A replaced by G.
Protein change: p.Thr82Ala; replaces threonine 82 with alanine.
Molecular consequence: missense variant.
Genome position (GRCh38, 1-based): chr22:23,793,570, A>G. VCF-style: chr22-23793570-A-G. GRCh37 (hg19) VCF-style: chr22-24135757-A-G.
Other names: c.217A>G, p.Thr73Ala (NM_001007468.3, NM_001317946.2); c.244A>G, p.Thr82Ala (NM_001362877.2); short protein forms T82A, T73A.
Identifiers: ClinVar variation 839331 (VCV000839331.8), dbSNP rs1053189632, ClinGen allele CA322596879.

ClinVar aggregate classification (germline): Uncertain significance. Review status: criteria provided, multiple submitters, no conflicts (2 of 4 stars). 2 submissions from 2 submitters: Uncertain significance (2). Last evaluated 2024-12-29.

Conditions:
Hereditary cancer-predisposing syndrome. Also called: Neoplastic Syndromes, Hereditary; Tumor predisposition; Hereditary neoplastic syndrome; Hereditary Cancer Syndrome. Identifiers: Orphanet 140162, MedGen C0027672, MeSH D009386, MONDO:0015356.

Submissions (2):

Ambry Genetics
Classification: Uncertain significance for Hereditary cancer-predisposing syndrome. Last evaluated: 2024-12-29. Review status: criteria provided, single submitter. Criteria: Ambry Variant Classification Scheme 2023. Collection method: clinical testing. Allele origin: germline.
Comment: The p.T82A variant (also known as c.244A>G), located in coding exon 3 of the SMARCB1 gene, results from an A to G substitution at nucleotide position 244. The threonine at codon 82 is replaced by alanine, an amino acid with similar properties. This amino acid position is conserved. In addition, the in silico prediction for this alteration is inconclusive. Based on the available evidence, the clinical significance of this variant remains unclear.

Labcorp Genetics (formerly Invitae), Labcorp
Classification: Uncertain significance. Last evaluated: 2021-10-27. Review status: criteria provided, single submitter. Criteria: Invitae Variant Classification Sherloc (09022015). Collection method: clinical testing. Allele origin: germline.
Comment: ClinVar contains an entry for this variant (Variation ID: 839331). This sequence change replaces threonine, a(n) neutral and polar amino acid, with alanine, a(n) neutral and non-polar amino acid, at codon 82 of the SMARCB1 protein (p.Thr82Ala). This variant is not present in population databases (gnomAD no frequency). This variant has not been reported in the literature in individuals affected with SMARCB1-related conditions. Algorithms developed to predict the effect of missense changes on protein structure and function (SIFT, PolyPhen-2, Align-GVGD) all suggest that this variant is likely to be tolerated. In summary, the available evidence is currently insufficient to determine the role of this variant in disease. Therefore, it has been classified as a Variant of Uncertain Significance.